The following is an entry in ClinVar:

ClinVar aggregate classification (germline): Likely benign. Review status: criteria provided, multiple submitters, no conflicts (2 of 4 stars). 3 submissions from 3 submitters: Likely benign (3). Last evaluated 2026-05-01.

Submissions (3):

CeGaT Center for Human Genetics Tuebingen
Classification: Likely benign. Last evaluated: 2026-05-01. Review status: criteria provided, single submitter. Criteria: CeGaT Center For Human Genetics Tuebingen Variant Classification Criteria Version 2. Collection method: clinical testing. Allele origin: germline. Affected: yes. Observed: 1 variant allele.
Comment: ESPN: BP4, BP7

Labcorp Genetics (formerly Invitae), Labcorp
Classification: Likely benign. Last evaluated: 2025-12-19. Review status: criteria provided, single submitter. Criteria: Invitae Variant Classification Sherloc (09022015). Collection method: clinical testing. Allele origin: germline.

Blueprint Genetics
Classification: Likely benign. Last evaluated: 2024-02-13. Review status: criteria provided, single submitter. Criteria: ACMG Guidelines, 2015. Collection method: clinical testing. Allele origin: germline.

NM_031475.3(ESPN):c.1317G>A (p.Pro439=)

Gene: ESPN (espin; plus strand). Cytogenetic location: 1p36.31.
Variant type: single nucleotide variant.
Coding change: c.1317G>A on transcript NM_031475.3 (MANE Select); coding-DNA position 1317, G replaced by A.
Protein change: p.Pro439=; no amino-acid change (proline 439 retained).
Molecular consequence: synonymous variant.
Genome position (GRCh38, 1-based): chr1:6,445,788, G>A. VCF-style: chr1-6445788-G-A. GRCh37 (hg19) VCF-style: chr1-6505848-G-A.
Other names: c.1317G>A, p.Pro439= (NM_001367473.1, NM_001367474.1).
Identifiers: ClinVar variation 4705404 (VCV004705404.4).